The following is an entry in ClinVar:

NM_005918.4(MDH2):c.983A>G (p.Lys328Arg)

Gene: MDH2 (malate dehydrogenase 2; plus strand). Cytogenetic location: 7q11.23.
Variant type: single nucleotide variant.
Coding change: c.983A>G on transcript NM_005918.4 (MANE Select); coding-DNA position 983, A replaced by G.
Protein change: p.Lys328Arg; replaces lysine 328 with arginine.
Molecular consequence: missense variant.
Genome position (GRCh38, 1-based): chr7:76,066,376, A>G. VCF-style: chr7-76066376-A-G. GRCh37 (hg19) VCF-style: chr7-75695694-A-G.
Other names: c.857A>G, p.Lys286Arg (NM_001282403.2); c.662A>G, p.Lys221Arg (NM_001282404.2); short protein forms K286R, K328R, K221R.
Identifiers: ClinVar variation 1768352 (VCV001768352.3), dbSNP rs782253214, ClinGen allele CA4305787.

ClinVar aggregate classification (germline): Uncertain significance. Review status: criteria provided, multiple submitters, no conflicts (2 of 4 stars). 2 submissions from 2 submitters: Uncertain significance (2). Last evaluated 2026-01-03.

Conditions:
Inborn genetic diseases. Identifiers: MedGen C0950123, MeSH D030342.

Allele frequency attached by ClinVar (database versions not stated): ExAC 0.00001; gnomAD exomes 0.00001.
gnomAD v4.1: 17 of 1,611,822 alleles (0.0011%); highest among the groups gnomAD compares: South Asian, 0.014%; no homozygotes.

Submissions (2):

Labcorp Genetics (formerly Invitae), Labcorp
Classification: Uncertain significance. Last evaluated: 2026-01-03. Review status: criteria provided, single submitter. Criteria: Invitae Variant Classification Sherloc (09022015). Collection method: clinical testing. Allele origin: germline.
Comment: This sequence change replaces lysine, which is basic and polar, with arginine, which is basic and polar, at codon 328 of the MDH2 protein (p.Lys328Arg). This variant is present in population databases (rs782253214, gnomAD 0.007%). This variant has not been reported in the literature in individuals affected with MDH2-related conditions. ClinVar contains an entry for this variant (Variation ID: 1768352). An algorithm developed to predict the effect of missense changes on protein structure and function (PolyPhen-2) suggests that this variant is likely to be tolerated. In summary, the available evidence is currently insufficient to determine the role of this variant in disease. Therefore, it has been classified as a Variant of Uncertain Significance.

Ambry Genetics
Classification: Uncertain significance for Inborn genetic diseases. Last evaluated: 2024-01-25. Review status: criteria provided, single submitter. Criteria: Ambry Variant Classification Scheme 2023. Collection method: clinical testing. Allele origin: germline.
Comment: The p.K328R variant (also known as c.983A>G), located in coding exon 9 of the MDH2 gene, results from an A to G substitution at nucleotide position 983. The lysine at codon 328 is replaced by arginine, an amino acid with highly similar properties. This amino acid position is conserved. In addition, this alteration is predicted to be tolerated by in silico analysis. Since supporting evidence is limited at this time, the clinical significance of this alteration remains unclear.